The following is an entry in ClinVar:

NM_021224.6(ZNF462):c.2696A>C (p.Glu899Ala)

Gene: ZNF462 (zinc finger protein 462; plus strand). Cytogenetic location: 9q31.2.
Variant type: single nucleotide variant.
Coding change: c.2696A>C on transcript NM_021224.6 (MANE Select); coding-DNA position 2696, A replaced by C.
Protein change: p.Glu899Ala; replaces glutamic acid 899 with alanine.
Molecular consequence: missense variant.
Genome position (GRCh38, 1-based): chr9:106,926,608, A>C. VCF-style: chr9-106926608-A-C. GRCh37 (hg19) VCF-style: chr9-109688889-A-C.
Other names: c.2696A>C, p.Glu899Ala (NM_001347997.2); short protein forms E899A.
Identifiers: ClinVar variation 5041343 (VCV005041343.1).
Genomic context (GRCh38, chr9:106,926,608, plus strand): 5'-CCAATGATCACAGTGCAGTGTACAGGTGCCTGGAATGCTACATCGATTACACCAACTTCG[A>C]AGATCTCCAGCAGCATTATGGCGAGCACCACCCAGAAGCCATGAATGTACTCAACTTTGA-3'
Protein context (NP_067047.4, residues 889-909): LECYIDYTNF[Glu899Ala]DLQQHYGEHH

ClinVar aggregate classification (germline): Likely benign (1 of 4 stars; one submission).

gnomAD v4.1: 34 of 1,614,120 alleles (0.0021%); highest among the groups gnomAD compares: Non-Finnish European, 0.0028%; no homozygotes.

Submission:

CeGaT Center for Human Genetics Tuebingen
Classification: Likely benign. Last evaluated: 2026-09-01. Review status: criteria provided, single submitter. Criteria: CeGaT Center For Human Genetics Tuebingen Variant Classification Criteria Version 2. Collection method: clinical testing. Allele origin: germline. Affected: yes. Observed: 1 variant allele.
Comment: ZNF462: BS2